The following is an entry in ClinVar:

ClinVar aggregate classification (germline): Benign/Likely benign. Review status: criteria provided, multiple submitters, no conflicts (2 of 4 stars). 5 submissions from 5 submitters: Benign (1); Likely benign (3). 1 of the submissions does not count toward it. Last evaluated 2025-12-30.

Conditions:
Osteogenesis imperfecta type I (OI1). Also called: Classic Non-deforming Osteogenesis Imperfecta with Blue Sclerae; OI, TYPE I; OSTEOGENESIS IMPERFECTA TARDA; OSTEOGENESIS IMPERFECTA WITH BLUE SCLERAE; Osteogenesis imperfecta type 1; Lobstein's Disease. Identifiers: Orphanet 216796, Orphanet 666, MedGen C0023931, MONDO:0008146, OMIM 166200. Disease mechanism: loss of function.
COL1A1-related disorder. Also called: COL1A1- related disease; COL1A1-related condition.
Cardiovascular phenotype. Identifiers: MedGen CN230736.

Allele frequency attached by ClinVar (database versions not stated): gnomAD 0.00001; ExAC 0.00002; gnomAD exomes 0.00002; TOPMed 0.00003.
gnomAD v4.1: 63 of 1,614,052 alleles (0.0039%); highest among the groups gnomAD compares: South Asian, 0.019%; no homozygotes.

Submissions (5):

Labcorp Genetics (formerly Invitae), Labcorp
Classification: Likely benign for Osteogenesis imperfecta type I. Last evaluated: 2025-12-30. Review status: criteria provided, single submitter. Criteria: Invitae Variant Classification Sherloc (09022015). Collection method: clinical testing. Allele origin: germline.

Ambry Genetics
Classification: Likely benign for Cardiovascular phenotype. Last evaluated: 2022-08-22. Review status: criteria provided, single submitter. Criteria: Ambry Variant Classification Scheme 2023. Collection method: clinical testing. Allele origin: germline.

Athena Diagnostics
Classification: Benign. Last evaluated: 2020-01-06. Review status: criteria provided, single submitter. Criteria: Athena Diagnostics Criteria. Collection method: clinical testing. Allele origin: unknown.

Blueprint Genetics
Classification: Likely benign. Last evaluated: 2018-10-29. Review status: criteria provided, single submitter. Criteria: ACMG Guidelines, 2015. Collection method: clinical testing. Allele origin: germline.

PreventionGenetics, part of Exact Sciences
Classification: Likely benign for COL1A1-related condition. Last evaluated: 2024-06-07. Review status: no assertion criteria provided. Collection method: clinical testing. Allele origin: germline. Not counted in ClinVar's aggregate classification.
Comment: This variant is classified as likely benign based on ACMG/AMP sequence variant interpretation guidelines (Richards et al. 2015 PMID: 25741868, with internal and published modifications).

NM_000088.4(COL1A1):c.1920C>T (p.Pro640=)

Gene: COL1A1 (collagen type I alpha 1 chain; minus strand). Cytogenetic location: 17q21.33.
Variant type: single nucleotide variant.
Coding change: c.1920C>T on transcript NM_000088.4 (MANE Select); coding-DNA position 1920, C replaced by T.
Protein change: p.Pro640=; no amino-acid change (proline 640 retained).
Molecular consequence: synonymous variant.
Genome position (GRCh38, 1-based): chr17:50,192,649, G>A on the plus strand (C>T on the coding strand, the complement: COL1A1 is on the minus strand). VCF-style: chr17-50192649-G-A. GRCh37 (hg19) VCF-style: chr17-48270010-G-A.
Identifiers: ClinVar variation 995276 (VCV000995276.14), dbSNP rs745564892, ClinGen allele CA8645020.
Genomic context (GRCh38, chr17:50,192,649, plus strand): 5'-AGGTGTTTCCTACCCCTACCTCCCAGCATCCTGACAGCCATGAGGCCTCACCTGGAATCC[G>A]GGGGAGCCAGCAGGGCCTTGTTCACCTCTCTCGCCAGCGGGACCCTGCACAGAGAGAACA-3'
Protein context (NP_000079.2, residues 630-650): ERGEQGPAGS[Pro640=]GFQGLPGPAG